The following is an entry in ClinVar:

NM_001367561.1(DOCK7):c.3833A>C (p.Glu1278Ala)

Gene: DOCK7 (dedicator of cytokinesis 7; minus strand). Cytogenetic location: 1p31.3.
Variant type: single nucleotide variant.
Coding change: c.3833A>C on transcript NM_001367561.1 (MANE Select); coding-DNA position 3833, A replaced by C.
Protein change: p.Glu1278Ala; replaces glutamic acid 1278 with alanine.
Molecular consequence: missense variant.
Genome position (GRCh38, 1-based): chr1:62,528,254, T>G on the plus strand (A>C on the coding strand, the complement: DOCK7 is on the minus strand). VCF-style: chr1-62528254-T-G. GRCh37 (hg19) VCF-style: chr1-62993925-T-G.
Other names: c.3833A>C, p.Glu1278Ala (NM_001271999.2, NM_001330614.2); c.3740A>C, p.Glu1247Ala (NM_001272000.2, NM_001272001.2, NM_033407.4); short protein forms E1247A, E1278A.
Identifiers: ClinVar variation 1018325 (VCV001018325.9), dbSNP rs1645073439, ClinGen allele CA340600011.

ClinVar aggregate classification (germline): Uncertain significance (1 of 4 stars; one submission).

Conditions:
Developmental and epileptic encephalopathy, 23 (DEE23). Also called: Epileptic encephalopathy, early infantile, 23. Identifiers: Orphanet 411986, MedGen C4014492, MONDO:0014371, OMIM 615859.

Submission:

Labcorp Genetics (formerly Invitae), Labcorp
Classification: Uncertain significance for Developmental and epileptic encephalopathy, 23. Last evaluated: 2020-06-22. Review status: criteria provided, single submitter. Criteria: Invitae Variant Classification Sherloc (09022015). Collection method: clinical testing. Allele origin: germline.
Comment: This sequence change replaces glutamic acid with alanine at codon 1278 of the DOCK7 protein (p.Glu1278Ala). The glutamic acid residue is weakly conserved and there is a moderate physicochemical difference between glutamic acid and alanine. This variant is not present in population databases (ExAC no frequency). This variant has not been reported in the literature in individuals with DOCK7-related conditions. Algorithms developed to predict the effect of missense changes on protein structure and function (SIFT, PolyPhen-2, Align-GVGD) all suggest that this variant is likely to be tolerated, but these predictions have not been confirmed by published functional studies and their clinical significance is uncertain. In summary, the available evidence is currently insufficient to determine the role of this variant in disease. Therefore, it has been classified as a Variant of Uncertain Significance.